The following is an entry in ClinVar:

NM_002386.4(MC1R):c.113T>C (p.Val38Ala)

Gene: MC1R (melanocortin 1 receptor; plus strand). Cytogenetic location: 16q24.3.
Variant type: single nucleotide variant.
Coding change: c.113T>C on transcript NM_002386.4 (MANE Select); coding-DNA position 113, T replaced by C.
Protein change: p.Val38Ala; replaces valine 38 with alanine.
Molecular consequence: missense variant.
Genome position (GRCh38, 1-based): chr16:89,919,371, T>C. VCF-style: chr16-89919371-T-C. GRCh37 (hg19) VCF-style: chr16-89985779-T-C.
Other names: short protein forms V38A.
Identifiers: ClinVar variation 4550318 (VCV004550318.1).

ClinVar aggregate classification (germline): Uncertain significance (1 of 4 stars; one submission).

Submission:

Ambry Genetics
Classification: Uncertain significance. Last evaluated: 2025-11-24. Review status: criteria provided, single submitter. Criteria: Ambry Variant Classification Scheme 2023. Collection method: clinical testing. Allele origin: germline.
Comment: The p.V38A variant (also known as c.113T>C), located in coding exon 1 of the MC1R gene, results from a T to C substitution at nucleotide position 113. The valine at codon 38 is replaced by alanine, an amino acid with similar properties. This amino acid position is conserved. In addition, this alteration is predicted to be tolerated by in silico analysis. Based on the available evidence, the clinical significance of this variant remains unclear.